The following is an entry in ClinVar:

ClinVar aggregate classification (germline): Conflicting classifications of pathogenicity. Review status: criteria provided, conflicting classifications (1 of 4 stars). 6 submissions from 6 submitters: Likely pathogenic (1); Uncertain significance (5). Last evaluated 2026-08-07.

Conditions:
TGFB3-related disorder. Also called: TGFB3-related condition.
Rienhoff syndrome. Also called: LOEYS-DIETZ SYNDROME 5. Identifiers: MedGen C3810012, MONDO:0014262, OMIM 615582.
Familial thoracic aortic aneurysm and aortic dissection (TAAD). Also called: Thoracic aortic aneurysms and dissections. Identifiers: Orphanet 91387, MedGen C4707243, MONDO:0019625.
Arrhythmogenic right ventricular dysplasia 1. Identifiers: Orphanet 3403, MedGen C1862511, MONDO:0007152, OMIM 107970.

Allele frequency attached by ClinVar (database versions not stated): gnomAD 0.00001; gnomAD exomes 0.00002; TOPMed 0.00002; 1000 Genomes Project 30x 0.00016.

Submissions (6):

PreventionGenetics, part of Exact Sciences
Classification: Uncertain significance for TGFB3-related condition. Last evaluated: 2026-08-07. Review status: criteria provided, single submitter. Criteria: ACMG Guidelines, 2015. Collection method: clinical testing. Allele origin: germline.
Comment: The TGFB3 c.488G>A variant is predicted to result in the amino acid substitution p.Arg163Gln. To our knowledge, this variant has not been reported in the literature. This variant is reported in 0.0035% of alleles in individuals of European (Non-Finnish) descent in gnomAD. At this time, the clinical significance of this variant is uncertain due to the absence of conclusive functional and genetic evidence.

Labcorp Genetics (formerly Invitae), Labcorp
Classification: Likely pathogenic for Rienhoff syndrome. Last evaluated: 2025-11-13. Review status: criteria provided, single submitter. Criteria: Invitae Variant Classification Sherloc (09022015). Collection method: clinical testing. Allele origin: germline.
Comment: This sequence change replaces arginine, which is basic and polar, with glutamine, which is neutral and polar, at codon 163 of the TGFB3 protein (p.Arg163Gln). This variant is present in population databases (no rsID available, gnomAD 0.004%). This missense change has been observed in individuals with clinical features of Loeys-Dietz syndrome (internal data). ClinVar contains an entry for this variant (Variation ID: 410273). Invitae Evidence Modeling of protein sequence and biophysical properties (such as structural, functional, and spatial information, amino acid conservation, physicochemical variation, residue mobility, and thermodynamic stability) indicates that this missense variant is not expected to disrupt TGFB3 protein function with a negative predictive value of 80%. This variant disrupts the p.Arg163 amino acid residue in TGFB3. Other variant(s) that disrupt this residue have been observed in individuals with TGFB3-related conditions (internal data), which suggests that this may be a clinically significant amino acid residue. In summary, the currently available evidence indicates that the variant is pathogenic, but additional data are needed to prove that conclusively. Therefore, this variant has been classified as Likely Pathogenic.

Ambry Genetics
Classification: Uncertain significance for Familial thoracic aortic aneurysm and aortic dissection. Last evaluated: 2025-06-13. Review status: criteria provided, single submitter. Criteria: Ambry Variant Classification Scheme 2023. Collection method: clinical testing. Allele origin: germline.
Comment: The p.R163Q variant (also known as c.488G>A), located in coding exon 2 of the TGFB3 gene, results from a G to A substitution at nucleotide position 488. The arginine at codon 163 is replaced by glutamine, an amino acid with highly similar properties. This amino acid position is highly conserved in available vertebrate species. In addition, the in silico prediction for this alteration is inconclusive. Based on the available evidence, the clinical significance of this variant remains unclear.

Blueprint Genetics
Classification: Uncertain significance. Last evaluated: 2023-12-15. Review status: criteria provided, single submitter. Criteria: ACMG Guidelines, 2015. Collection method: clinical testing. Allele origin: germline.

GeneDx
Classification: Uncertain significance. Last evaluated: 2023-01-23. Review status: criteria provided, single submitter. Criteria: GeneDx Variant Classification Process June 2021. Collection method: clinical testing. Allele origin: germline. Affected: yes.
Comment: Has not been previously published as pathogenic or benign to our knowledge; Not observed at significant frequency in large population cohorts (gnomAD); In silico analysis supports that this missense variant does not alter protein structure/function

Genetics and Molecular Pathology, SA Pathology
Classification: Uncertain significance for Arrhythmogenic right ventricular dysplasia 1. Last evaluated: 2021-11-09. Review status: criteria provided, single submitter. Criteria: ACMG Guidelines, 2015. Collection method: clinical testing. Allele origin: germline. Affected: yes.

NM_003239.5(TGFB3):c.488G>A (p.Arg163Gln)

Gene: TGFB3 (transforming growth factor beta 3; minus strand). Cytogenetic location: 14q24.3.
Variant type: single nucleotide variant.
Coding change: c.488G>A on transcript NM_003239.5 (MANE Select); coding-DNA position 488, G replaced by A.
Protein change: p.Arg163Gln; replaces arginine 163 with glutamine.
Molecular consequence: missense variant.
Genome position (GRCh38, 1-based): chr14:75,971,583, C>T on the plus strand (G>A on the coding strand, the complement: TGFB3 is on the minus strand). VCF-style: chr14-75971583-C-T. GRCh37 (hg19) VCF-style: chr14-76437926-C-T.
Other names: c.488G>A (NM_003239.4); c.488G>A, p.Arg163Gln (NM_001329938.2, NM_001329939.2); short protein forms R163Q.
Identifiers: ClinVar variation 410273 (VCV000410273.59), dbSNP rs920721092, ClinGen allele CA16614250.